The following is an entry in ClinVar:

ClinVar aggregate classification (germline): Uncertain significance (1 of 4 stars; one submission).

Conditions:
Fanconi anemia (FA). Also called: Fanconi's anemia. Identifiers: Orphanet 84, MedGen C0015625, MeSH D005199, MONDO:0019391.

Allele frequency attached by ClinVar (database versions not stated): gnomAD 0.00001; TOPMed 0.00001.

Submission:

Labcorp Genetics (formerly Invitae), Labcorp
Classification: Uncertain significance for Fanconi anemia. Last evaluated: 2021-09-07. Review status: criteria provided, single submitter. Criteria: Invitae Variant Classification Sherloc (09022015). Collection method: clinical testing. Allele origin: germline.
Comment: This sequence change replaces proline with leucine at codon 505 of the FANCI protein (p.Pro505Leu). The proline residue is highly conserved and there is a moderate physicochemical difference between proline and leucine. This variant is not present in population databases (ExAC no frequency). This variant has not been reported in the literature in individuals affected with FANCI-related conditions. Algorithms developed to predict the effect of missense changes on protein structure and function (SIFT, PolyPhen-2, Align-GVGD) all suggest that this variant is likely to be disruptive. In summary, the available evidence is currently insufficient to determine the role of this variant in disease. Therefore, it has been classified as a Variant of Uncertain Significance.

NM_001113378.2(FANCI):c.1514C>T (p.Pro505Leu)

Gene: FANCI (FA complementation group I; plus strand). Cytogenetic location: 15q26.1.
Variant type: single nucleotide variant.
Coding change: c.1514C>T on transcript NM_001113378.2 (MANE Select); coding-DNA position 1514, C replaced by T.
Protein change: p.Pro505Leu; replaces proline 505 with leucine.
Molecular consequence: missense variant.
Genome position (GRCh38, 1-based): chr15:89,281,766, C>T. VCF-style: chr15-89281766-C-T. GRCh37 (hg19) VCF-style: chr15-89824997-C-T.
Other names: c.1235C>T, p.Pro412Leu (NM_001376910.1); c.1514C>T, p.Pro505Leu (NM_001376911.1, NM_018193.3); short protein forms P412L, P505L.
Identifiers: ClinVar variation 1487256 (VCV001487256.3), dbSNP rs773105092, ClinGen allele CA393744561.